The following is an entry in ClinVar:

ClinVar aggregate classification (germline): Pathogenic. Review status: criteria provided, multiple submitters, no conflicts (2 of 4 stars). 2 submissions from 2 submitters: Pathogenic (2). Last evaluated 2023-06-23.

Conditions:
Familial cancer of breast. Also called: hereditary breast carcinoma; BREAST CANCER, FAMILIAL; Hereditary breast cancer. Identifiers: Orphanet 227535, MedGen C0346153, MONDO:0016419, OMIM 114480. Disease mechanism: loss of function.

Submissions (2):

Myriad Genetics, Inc.
Classification: Pathogenic for Familial cancer of breast. Last evaluated: 2023-06-23. Review status: criteria provided, single submitter. Criteria: Myriad Autosomal Dominant, Autosomal Recessive and X-Linked Classification Criteria (2023). Collection method: clinical testing. Allele origin: unknown.
Comment: This variant is considered pathogenic. This variant creates a termination codon and is predicted to result in premature protein truncation.

Labcorp Genetics (formerly Invitae), Labcorp
Classification: Pathogenic for Familial cancer of breast. Last evaluated: 2022-11-12. Review status: criteria provided, single submitter. Criteria: Invitae Variant Classification Sherloc (09022015). Collection method: clinical testing. Allele origin: germline.
Comment: Algorithms developed to predict the effect of sequence changes on RNA splicing suggest that this variant may disrupt the consensus splice site. This sequence change creates a premature translational stop signal (p.Glu107*) in the CHEK2 gene. It is expected to result in an absent or disrupted protein product. Loss-of-function variants in CHEK2 are known to be pathogenic (PMID: 21876083, 24713400). This variant is not present in population databases (gnomAD no frequency). This variant has not been reported in the literature in individuals affected with CHEK2-related conditions. For these reasons, this variant has been classified as Pathogenic.

Literature cited by the submitters: PubMed 21876083 (cited by Labcorp Genetics (formerly Invitae), Labcorp); PubMed 24713400 (cited by Labcorp Genetics (formerly Invitae), Labcorp).

NM_007194.4(CHEK2):c.319G>T (p.Glu107Ter)

Gene: CHEK2 (checkpoint kinase 2; minus strand). Cytogenetic location: 22q12.1.
Variant type: single nucleotide variant.
Coding change: c.319G>T on transcript NM_007194.4 (MANE Select); coding-DNA position 319, G replaced by T.
Protein change: p.Glu107Ter; replaces glutamic acid 107 with a stop codon.
Molecular consequence: nonsense.
Genome position (GRCh38, 1-based): chr22:28,734,403, C>A on the plus strand (G>T on the coding strand, the complement: CHEK2 is on the minus strand). VCF-style: chr22-28734403-C-A. GRCh37 (hg19) VCF-style: chr22-29130391-C-A.
Other names: c.319G>T, p.Glu107Ter (NM_145862.3, NM_001005735.3, NM_001349956.3); c.-459G>T (NM_001257387.3); short protein forms E107*.
Identifiers: ClinVar variation 2024261 (VCV002024261.6), dbSNP rs775320614, ClinGen allele CA411090157.